The following is an entry in ClinVar:

ClinVar aggregate classification (germline): Uncertain significance (0 of 4 stars; one submission).

Conditions:
SYNE2-related disorder. Also called: SYNE2-related condition.

Allele frequency attached by ClinVar (database versions not stated): TOPMed below 0.00001.

Submission:

PreventionGenetics, part of Exact Sciences
Classification: Uncertain significance for SYNE2-related condition. Last evaluated: 2023-12-21. Review status: no assertion criteria provided. Collection method: clinical testing. Allele origin: germline.
Comment: The SYNE2 c.4838A>G variant is predicted to result in the amino acid substitution p.Glu1613Gly. To our knowledge, this variant has not been reported in the literature or in a large population database, indicating this variant is rare. At this time, the clinical significance of this variant is uncertain due to the absence of conclusive functional and genetic evidence.

NM_182914.3(SYNE2):c.4838A>G (p.Glu1613Gly)

Gene: SYNE2 (spectrin repeat containing nuclear envelope protein 2; plus strand). Cytogenetic location: 14q23.2.
Variant type: single nucleotide variant.
Coding change: c.4838A>G on transcript NM_182914.3 (MANE Select); coding-DNA position 4838, A replaced by G.
Protein change: p.Glu1613Gly; replaces glutamic acid 1613 with glycine.
Molecular consequence: missense variant.
Genome position (GRCh38, 1-based): chr14:64,016,582, A>G. VCF-style: chr14-64016582-A-G. GRCh37 (hg19) VCF-style: chr14-64483300-A-G.
Other names: c.4838A>G, p.Glu1613Gly (NM_015180.6); short protein forms E1613G.
Identifiers: ClinVar variation 3031422 (VCV003031422.2), dbSNP rs2096893710, ClinGen allele CA389937408.